The following is an entry in ClinVar:

NM_004444.5(EPHB4):c.2009A>G (p.Gln670Arg)

Gene: EPHB4 (EPH receptor B4; minus strand). Cytogenetic location: 7q22.1.
Variant type: single nucleotide variant.
Coding change: c.2009A>G on transcript NM_004444.5 (MANE Select); coding-DNA position 2009, A replaced by G.
Protein change: p.Gln670Arg; replaces glutamine 670 with arginine.
Molecular consequence: missense variant.
Genome position (GRCh38, 1-based): chr7:100,812,856, T>C on the plus strand (A>G on the coding strand, the complement: EPHB4 is on the minus strand). VCF-style: chr7-100812856-T-C. GRCh37 (hg19) VCF-style: chr7-100410478-T-C.
Other names: short protein forms Q670R.
Identifiers: ClinVar variation 3253221 (VCV003253221.1), dbSNP rs2485016418.

ClinVar aggregate classification (germline): Uncertain significance (1 of 4 stars; one submission).

Submission:

GeneDx
Classification: Uncertain significance. Last evaluated: 2023-12-11. Review status: criteria provided, single submitter. Criteria: GeneDx Variant Classification Process June 2021. Collection method: clinical testing. Allele origin: germline. Affected: yes.
Comment: Has not been previously published as pathogenic or benign to our knowledge; Not observed at significant frequency in large population cohorts (gnomAD); In silico analysis supports that this missense variant has a deleterious effect on protein structure/function